The following is an entry in ClinVar:

NM_001174089.2(SLC4A11):c.357G>A (p.Ala119=)

Gene: SLC4A11 (solute carrier family 4 member 11; minus strand). Cytogenetic location: 20p13.
Variant type: single nucleotide variant.
Coding change: c.357G>A on transcript NM_001174089.2 (MANE Select); coding-DNA position 357, G replaced by A.
Protein change: p.Ala119=; no amino-acid change (alanine 119 retained).
Molecular consequence: synonymous variant. On other transcripts: non-coding transcript variant (1).
Genome position (GRCh38, 1-based): chr20:3,234,249, C>T on the plus strand (G>A on the coding strand, the complement: SLC4A11 is on the minus strand). VCF-style: chr20-3234249-C-T. GRCh37 (hg19) VCF-style: chr20-3214895-C-T.
Other names: c.486G>A, p.Ala162= (NM_001174090.2); c.357G>A, p.Ala119= (NM_001363745.2); c.405G>A, p.Ala135= (NM_032034.4).
Identifiers: ClinVar variation 262000 (VCV000262000.17), dbSNP rs34460295, ClinGen allele CA9742320.

ClinVar aggregate classification (germline): Benign. Review status: criteria provided, multiple submitters, no conflicts (2 of 4 stars). 6 submissions from 6 submitters: Benign (5). 1 of the submissions does not count toward it. Last evaluated 2026-02-04.

Conditions:
Corneal dystrophy. Identifiers: Orphanet 34533, MedGen C0010036, MONDO:0018102, HP:0001131.
Corneal dystrophy-perceptive deafness syndrome (CDPD). Also called: CORNEAL DYSTROPHY AND SENSORINEURAL DEAFNESS; HARBOYAN SYNDROME. Identifiers: Orphanet 1490, MedGen C1857572, MONDO:0009015, OMIM 217400.

Allele frequency attached by ClinVar (database versions not stated): gnomAD 0.02737 and 0.02653; 1000 Genomes Project 0.02336; TOPMed 0.02730; ExAC 0.02021; 1000 Genomes Project 30x 0.02374; ESP Exome Variant Server 0.02730.

Submissions (6):

Labcorp Genetics (formerly Invitae), Labcorp
Classification: Benign. Last evaluated: 2026-02-04. Review status: criteria provided, single submitter. Criteria: Invitae Variant Classification Sherloc (09022015). Collection method: clinical testing. Allele origin: germline.

Athena Diagnostics
Classification: Benign. Last evaluated: 2019-03-30. Review status: criteria provided, single submitter. Criteria: Athena Diagnostics Criteria. Collection method: clinical testing. Allele origin: germline.

Illumina Laboratory Services, Illumina
Classification: Benign for Corneal dystrophy. Last evaluated: 2017-04-27. Review status: criteria provided, single submitter. Criteria: ICSL Variant Classification Criteria 13 December 2019. Collection method: clinical testing. Allele origin: germline.
Comment: This variant was observed as part of a predisposition screen in an ostensibly healthy population. A literature search was performed for the gene, cDNA change, and amino acid change (where applicable). Publications were found based on this search. The evidence from the literature, in combination with allele frequency data from public databases where available, was sufficient to rule this variant out of causing disease. Therefore, this variant is classified as benign.

Breakthrough Genomics
Classification: Benign. Review status: criteria provided, single submitter. Criteria: ACMG Guidelines, 2015. Collection method: not provided. Allele origin: germline. Inheritance: Autosomal recessive inheritance. Affected: yes.

PreventionGenetics, part of Exact Sciences
Classification: Benign. Review status: criteria provided, single submitter. Criteria: ACMG Guidelines, 2015. Collection method: clinical testing. Allele origin: germline.

Natera, Inc.
Classification: Benign for Harboyan syndrome. Last evaluated: 2020-09-16. Review status: no assertion criteria provided. Collection method: clinical testing. Allele origin: germline. Not counted in ClinVar's aggregate classification.

Literature cited by the submitters: PubMed 20144242 (cited by Illumina Laboratory Services, Illumina); PubMed 24348007 (cited by Illumina Laboratory Services, Illumina); PubMed 18363173 (cited by Illumina Laboratory Services, Illumina).